The following is an entry in ClinVar:

ClinVar aggregate classification (germline): Uncertain significance. Review status: criteria provided, multiple submitters, no conflicts (2 of 4 stars). 2 submissions from 2 submitters: Uncertain significance (2). Last evaluated 2022-05-31.

Allele frequency attached by ClinVar (database versions not stated): gnomAD exomes below 0.00001; TOPMed below 0.00001.
gnomAD v4.1: 8 of 1,614,124 alleles (0.0005%); highest among the groups gnomAD compares: South Asian, 0.0044%; no homozygotes.

Submissions (2):

Blueprint Genetics
Classification: Uncertain significance. Last evaluated: 2022-05-31. Review status: criteria provided, single submitter. Criteria: ACMG Guidelines, 2015. Collection method: clinical testing. Allele origin: germline.

Labcorp Genetics (formerly Invitae), Labcorp
Classification: Uncertain significance. Last evaluated: 2022-01-02. Review status: criteria provided, single submitter. Criteria: Invitae Variant Classification Sherloc (09022015). Collection method: clinical testing. Allele origin: germline.
Comment: This sequence change replaces asparagine, which is neutral and polar, with serine, which is neutral and polar, at codon 449 of the MAK protein (p.Asn449Ser). This variant is present in population databases (no rsID available, gnomAD 0.006%). This variant has not been reported in the literature in individuals affected with MAK-related conditions. Experimental studies and prediction algorithms are not available or were not evaluated, and the functional significance of this variant is currently unknown. In summary, the available evidence is currently insufficient to determine the role of this variant in disease. Therefore, it has been classified as a Variant of Uncertain Significance.

NM_001242957.3(MAK):c.1346A>G (p.Asn449Ser)

Gene: MAK (male germ cell associated kinase; minus strand). Cytogenetic location: 6p24.2.
Variant type: single nucleotide variant.
Coding change: c.1346A>G on transcript NM_001242957.3 (MANE Select); coding-DNA position 1346, A replaced by G.
Protein change: p.Asn449Ser; replaces asparagine 449 with serine.
Molecular consequence: missense variant. On other transcripts: non-coding transcript variant (2).
Genome position (GRCh38, 1-based): chr6:10,784,543, T>C on the plus strand (A>G on the coding strand, the complement: MAK is on the minus strand). VCF-style: chr6-10784543-T-C. GRCh37 (hg19) VCF-style: chr6-10784776-T-C.
Other names: c.1346A>G, p.Asn449Ser (NM_001242385.2, NM_005906.6); c.1244A>G, p.Asn415Ser (NM_001377262.1); short protein forms N449S, N415S.
Identifiers: ClinVar variation 1935795 (VCV001935795.3), dbSNP rs1279712239, ClinGen allele CA362717301.